The following is an entry in ClinVar:

NM_005245.4(FAT1):c.8579T>C (p.Phe2860Ser)

Genes: FAT1 (FAT atypical cadherin 1; minus strand), LOC126807255 (BRD4-independent group 4 enhancer GRCh37_chr4:187538202-187539401; plus strand). Cytogenetic location: 4q35.2.
Variant type: single nucleotide variant.
Coding change: c.8579T>C on transcript NM_005245.4 (MANE Select); coding-DNA position 8579, T replaced by C.
Protein change: p.Phe2860Ser; replaces phenylalanine 2860 with serine.
Molecular consequence: missense variant.
Genome position (GRCh38, 1-based): chr4:186,618,007, A>G on the plus strand (T>C on the coding strand, the complement: FAT1 is on the minus strand). VCF-style: chr4-186618007-A-G. GRCh37 (hg19) VCF-style: chr4-187539161-A-G.
Other names: short protein forms F2860S.
Identifiers: ClinVar variation 2093914 (VCV002093914.4), dbSNP rs2126490156, ClinGen allele CA358960463.
Genomic context (GRCh38, chr4:186,618,007, plus strand): 5'-CTCTTTTCATGGTCAAGTTCCTTTAAAGTTGTAATCCAGCCTGTTTCCATGTTAATGGCA[A>G]AGGATTCAATGACTTCCACACTTTGTGACTGATCCAGGCTATACATAACTTGGCCGTTGG-3'
Protein context (NP_005236.2, residues 2850-2870): QSQSVEVIES[Phe2860Ser]AINMETGWIT

ClinVar aggregate classification (germline): Uncertain significance (1 of 4 stars; one submission).

Submission:

Labcorp Genetics (formerly Invitae), Labcorp
Classification: Uncertain significance. Last evaluated: 2022-02-06. Review status: criteria provided, single submitter. Criteria: Invitae Variant Classification Sherloc (09022015). Collection method: clinical testing. Allele origin: germline.
Comment: This variant is not present in population databases (gnomAD no frequency). This variant has not been reported in the literature in individuals affected with FAT1-related conditions. Algorithms developed to predict the effect of missense changes on protein structure and function (SIFT, PolyPhen-2, Align-GVGD) all suggest that this variant is likely to be disruptive. In summary, the available evidence is currently insufficient to determine the role of this variant in disease. Therefore, it has been classified as a Variant of Uncertain Significance. This sequence change replaces phenylalanine, which is neutral and non-polar, with serine, which is neutral and polar, at codon 2860 of the FAT1 protein (p.Phe2860Ser).